The following is an entry in ClinVar:

ClinVar aggregate classification (germline): Conflicting classifications of pathogenicity. Review status: criteria provided, conflicting classifications (1 of 4 stars). 5 submissions from 5 submitters: Uncertain significance (3); Likely benign (2). Last evaluated 2025-12-27.

Conditions:
Autoinflammatory syndrome. Identifiers: Orphanet 93665, MedGen C3890737, MONDO:0019751.
Inborn genetic diseases. Identifiers: MedGen C0950123, MeSH D030342.
Pyogenic arthritis-pyoderma gangrenosum-acne syndrome (PAPA). Also called: FAMILIAL RECURRENT ARTHRITIS; PAPA SYNDROME. Identifiers: Orphanet 69126, MedGen C1858361, MONDO:0011462, OMIM 604416.

Allele frequency attached by ClinVar (database versions not stated): TOPMed 0.00006; gnomAD 0.00007 and 0.00010; ESP Exome Variant Server 0.00008; ExAC 0.00015.
gnomAD v4.1: 156 of 1,605,706 alleles (0.0097%); highest among the groups gnomAD compares: East Asian, 0.056%; no homozygotes.

Submissions (5):

Labcorp Genetics (formerly Invitae), Labcorp
Classification: Uncertain significance for Pyogenic arthritis-pyoderma gangrenosum-acne syndrome. Last evaluated: 2025-12-27. Review status: criteria provided, single submitter. Criteria: Invitae Variant Classification Sherloc (09022015). Collection method: clinical testing. Allele origin: germline.
Comment: This sequence change replaces alanine, which is neutral and non-polar, with valine, which is neutral and non-polar, at codon 329 of the PSTPIP1 protein (p.Ala329Val). This variant is present in population databases (rs369498554, gnomAD 0.03%). This variant has not been reported in the literature in individuals affected with PSTPIP1-related conditions. ClinVar contains an entry for this variant (Variation ID: 663837). An algorithm developed to predict the effect of missense changes on protein structure and function outputs the following: PolyPhen-2: "Benign". The valine amino acid residue is found in multiple mammalian species, which suggests that this missense change does not adversely affect protein function. In summary, the available evidence is currently insufficient to determine the role of this variant in disease. Therefore, it has been classified as a Variant of Uncertain Significance.

Ambry Genetics
Classification: Uncertain significance for Inborn genetic diseases. Last evaluated: 2025-10-30. Review status: criteria provided, single submitter. Criteria: Ambry Variant Classification Scheme 2023. Collection method: clinical testing. Allele origin: germline.

GeneDx
Classification: Uncertain significance. Last evaluated: 2025-05-08. Review status: criteria provided, single submitter. Criteria: GeneDx Variant Classification Process June 2021. Collection method: clinical testing. Allele origin: germline. Affected: yes.
Comment: In silico analysis suggests that this missense variant does not alter protein structure/function; Has not been previously published as pathogenic or benign to our knowledge

Blueprint Genetics
Classification: Likely benign. Last evaluated: 2024-10-28. Review status: criteria provided, single submitter. Criteria: ACMG Guidelines, 2015. Collection method: clinical testing. Allele origin: germline.

Genome Diagnostics Laboratory, The Hospital for Sick Children
Classification: Likely benign for Autoinflammatory syndrome. Last evaluated: 2021-03-25. Review status: criteria provided, single submitter. Criteria: ACMG Guidelines, 2015. Collection method: clinical testing. Allele origin: germline. Affected: yes.

NM_003978.5(PSTPIP1):c.986C>T (p.Ala329Val)

Gene: PSTPIP1 (proline-serine-threonine phosphatase interacting protein 1; plus strand). Cytogenetic location: 15q24.3.
Variant type: single nucleotide variant.
Coding change: c.986C>T on transcript NM_003978.5 (MANE Select); coding-DNA position 986, C replaced by T.
Protein change: p.Ala329Val; replaces alanine 329 with valine.
Molecular consequence: missense variant. On other transcripts: non-coding transcript variant (1).
Genome position (GRCh38, 1-based): chr15:77,035,802, C>T. VCF-style: chr15-77035802-C-T. GRCh37 (hg19) VCF-style: chr15-77328143-C-T.
Other names: c.929C>T, p.Ala310Val (NM_001321135.2); c.959C>T, p.Ala320Val (NM_001321136.2); c.1181C>T, p.Ala394Val (NM_001321137.1); short protein forms A320V, A329V, A310V, A394V.
Identifiers: ClinVar variation 663837 (VCV000663837.16), dbSNP rs369498554, ClinGen allele CA7676124.